The following is an entry in ClinVar:

ClinVar aggregate classification (germline): Uncertain significance. Review status: criteria provided, multiple submitters, no conflicts (2 of 4 stars). 2 submissions from 2 submitters: Uncertain significance (2). Last evaluated 2026-04-28.

Conditions:
Hereditary cancer-predisposing syndrome. Also called: Tumor predisposition; Neoplastic Syndromes, Hereditary; Hereditary Cancer Syndrome; Hereditary neoplastic syndrome. Identifiers: Orphanet 140162, MedGen C0027672, MeSH D009386, MONDO:0015356.

Allele frequency attached by ClinVar (database versions not stated): gnomAD exomes below 0.00001; ExAC 0.00001.
gnomAD v4.1: 3 of 1,613,868 alleles (0.00019%); highest among the groups gnomAD compares: Non-Finnish European, 0.00025%; no homozygotes.

Submissions (2):

Ambry Genetics
Classification: Uncertain significance for Hereditary cancer-predisposing syndrome. Last evaluated: 2026-04-28. Review status: criteria provided, single submitter. Criteria: Ambry Variant Classification Scheme 2023. Collection method: clinical testing. Allele origin: germline.
Comment: The p.Y1068C variant (also known as c.3203A>G), located in coding exon 23 of the MSH3 gene, results from an A to G substitution at nucleotide position 3203. The tyrosine at codon 1068 is replaced by cysteine, an amino acid with highly dissimilar properties. This amino acid position is conserved. In addition, this alteration is predicted to be deleterious by in silico analysis. Based on the available evidence, the clinical significance of this variant remains unclear.

Labcorp Genetics (formerly Invitae), Labcorp
Classification: Uncertain significance. Last evaluated: 2020-12-23. Review status: criteria provided, single submitter. Criteria: Invitae Variant Classification Sherloc (09022015). Collection method: clinical testing. Allele origin: germline.
Comment: In summary, the available evidence is currently insufficient to determine the role of this variant in disease. Therefore, it has been classified as a Variant of Uncertain Significance. Algorithms developed to predict the effect of missense changes on protein structure and function are either unavailable or do not agree on the potential impact of this missense change (SIFT: "Deleterious"; PolyPhen-2: "Probably Damaging"; Align-GVGD: "Class C0"). This variant has not been reported in the literature in individuals with MSH3-related conditions. This variant is present in population databases (rs774599531, ExAC 0.006%). This sequence change replaces tyrosine with cysteine at codon 1068 of the MSH3 protein (p.Tyr1068Cys). The tyrosine residue is moderately conserved and there is a large physicochemical difference between tyrosine and cysteine.

NM_002439.5(MSH3):c.3203A>G (p.Tyr1068Cys)

Gene: MSH3 (mutS homolog 3; plus strand). Cytogenetic location: 5q14.1.
Variant type: single nucleotide variant.
Coding change: c.3203A>G on transcript NM_002439.5 (MANE Select); coding-DNA position 3203, A replaced by G.
Protein change: p.Tyr1068Cys; replaces tyrosine 1068 with cysteine.
Molecular consequence: missense variant.
Genome position (GRCh38, 1-based): chr5:80,873,188, A>G. VCF-style: chr5-80873188-A-G. GRCh37 (hg19) VCF-style: chr5-80169007-A-G.
Other names: c.3203A>G (NM_002439.3); short protein forms Y1068C.
Identifiers: ClinVar variation 1466100 (VCV001466100.9), dbSNP rs774599531, ClinGen allele CA3328485.
Genomic context (GRCh38, chr5:80,873,188, plus strand): 5'-AAGTCCCTGATTTTGTCACCTTCCTTTACCAAATAACTAGAGGAATTGCAGCAAGGAGTT[A>G]TGGATTAAATGTGGCTAAACTAGCAGATGTTCCTGGAGAAATTTTGAAGAAAGCAGCTCA-3'
Protein context (NP_002430.3, residues 1058-1078): QITRGIAARS[Tyr1068Cys]GLNVAKLADV